The following is an entry in ClinVar:

ClinVar aggregate classification (germline): Benign (1 of 4 stars; one submission).

Allele frequency attached by ClinVar (database versions not stated): gnomAD exomes 0.71092; gnomAD 0.72286; TOPMed 0.75347; 1000 Genomes Project 30x 0.83011; 1000 Genomes Project 0.83107.

Submission:

GeneDx
Classification: Benign. Last evaluated: 2018-06-13. Review status: criteria provided, single submitter. Criteria: GeneDx Variant Classification (06012015). Collection method: clinical testing. Allele origin: germline. Affected: yes.
Comment: This variant is considered likely benign or benign based on one or more of the following criteria: it is a conservative change, it occurs at a poorly conserved position in the protein, it is predicted to be benign by multiple in silico algorithms, and/or has population frequency not consistent with disease.

NM_080680.3(COL11A2):c.3852+94C>T

Gene: COL11A2 (collagen type XI alpha 2 chain; minus strand). Cytogenetic location: 6p21.32.
Variant type: single nucleotide variant.
Coding change: c.3852+94C>T on transcript NM_080680.3 (MANE Select); 94 bases into the intron after coding-DNA position 3852, C replaced by T.
Molecular consequence: intron variant.
Genome position (GRCh38, 1-based): chr6:33,168,861, G>A on the plus strand (C>T on the coding strand, the complement: COL11A2 is on the minus strand). VCF-style: chr6-33168861-G-A. GRCh37 (hg19) VCF-style: chr6-33136638-G-A.
Other names: c.3531+94C>T (NM_080679.3); c.3594+94C>T (NM_080681.3).
Identifiers: ClinVar variation 674780 (VCV000674780.1), dbSNP rs2855446, ClinGen allele CA12422062.